The following is an entry in ClinVar:

NM_003242.6(TGFBR2):c.938G>C (p.Arg313Pro)

Gene: TGFBR2 (transforming growth factor beta receptor 2; plus strand). Cytogenetic location: 3p24.1.
Variant type: single nucleotide variant.
Coding change: c.938G>C on transcript NM_003242.6 (MANE Select); coding-DNA position 938, G replaced by C.
Protein change: p.Arg313Pro; replaces arginine 313 with proline.
Molecular consequence: missense variant.
Genome position (GRCh38, 1-based): chr3:30,672,121, G>C. VCF-style: chr3-30672121-G-C. GRCh37 (hg19) VCF-style: chr3-30713613-G-C.
Other names: c.1013G>C, p.Arg338Pro (NM_001024847.3); c.1121G>C, p.Arg374Pro (NM_001407126.1); c.1046G>C, p.Arg349Pro (NM_001407127.1); c.965G>C, p.Arg322Pro (NM_001407128.1); c.941G>C, p.Arg314Pro (NM_001407129.1); c.938G>C, p.Arg313Pro (NM_001407130.1); c.833G>C, p.Arg278Pro (NM_001407132.1, NM_001407133.1, NM_001407134.1 and 2 more transcripts); c.653G>C, p.Arg218Pro (NM_001407137.1); and 1 more; short protein forms R193P, R218P, R278P, R313P, R314P, R322P, R338P, R349P.
Identifiers: ClinVar variation 2416633 (VCV002416633.9), dbSNP rs200361387, ClinGen allele CA351808207.

ClinVar aggregate classification (germline): Uncertain significance. Review status: criteria provided, multiple submitters, no conflicts (2 of 4 stars). 4 submissions from 4 submitters: Uncertain significance (4). Last evaluated 2025-12-16.

Conditions:
Loeys-Dietz syndrome 2 (LDS2). Also called: Marfan syndrome, type 2 (formerly); TGFBR2-Related Loeys-Dietz Syndrome; AORTIC ANEURYSM, FAMILIAL THORACIC 3; MARFAN SYNDROME, TYPE II; Marfan Syndrome type 2; Marfan like connective tissue disorder. Identifiers: Orphanet 284973, Orphanet 558, MedGen C2674574, MONDO:0012427, OMIM 610168.
Familial thoracic aortic aneurysm and aortic dissection (TAAD). Also called: Thoracic aortic aneurysms and dissections. Identifiers: Orphanet 91387, MedGen C4707243, MONDO:0019625.

Submissions (4):

Labcorp Genetics (formerly Invitae), Labcorp
Classification: Uncertain significance for Familial thoracic aortic aneurysm and aortic dissection. Last evaluated: 2025-12-16. Review status: criteria provided, single submitter. Criteria: Invitae Variant Classification Sherloc (09022015). Collection method: clinical testing. Allele origin: germline.
Comment: This sequence change replaces arginine, which is basic and polar, with proline, which is neutral and non-polar, at codon 313 of the TGFBR2 protein (p.Arg313Pro). This variant is present in population databases (no rsID available, gnomAD 0.0009%). This variant has not been reported in the literature in individuals affected with TGFBR2-related conditions. ClinVar contains an entry for this variant (Variation ID: 2416633). Invitae Evidence Modeling of protein sequence and biophysical properties (such as structural, functional, and spatial information, amino acid conservation, physicochemical variation, residue mobility, and thermodynamic stability) indicates that this missense variant is expected to disrupt TGFBR2 protein function with a positive predictive value of 95%. In summary, the available evidence is currently insufficient to determine the role of this variant in disease. Therefore, it has been classified as a Variant of Uncertain Significance.

Color Diagnostics, LLC DBA Color Health
Classification: Uncertain significance for Familial thoracic aortic aneurysm and aortic dissection. Last evaluated: 2025-06-11. Review status: criteria provided, single submitter. Criteria: ACMG Guidelines, 2015. Collection method: clinical testing. Allele origin: germline.
Comment: This missense variant replaces arginine with proline at codon 313 of the TGFBR2 protein. Computational prediction tool is inconclusive regarding the impact of this variant on protein structure and function. To our knowledge, functional studies have not been reported for this variant. This variant has not been reported in individuals affected with TGFBR2-related disorders in the literature. This variant has been identified in 1/251058 chromosomes in the general population by the Genome Aggregation Database (gnomAD). The available evidence is insufficient to determine the role of this variant in disease conclusively. Therefore, this variant is classified as a Variant of Uncertain Significance.

All of Us Research Program, National Institutes of Health
Classification: Uncertain significance for Loeys-Dietz syndrome 2. Last evaluated: 2024-08-06. Review status: criteria provided, single submitter. Criteria: ACMG Guidelines, 2015. Collection method: clinical testing. Allele origin: germline. Inheritance: Autosomal dominant inheritance. Observed: 1 variant allele, 1 heterozygote.
Comment: This missense variant replaces arginine with proline at codon 313 of the TGFBR2 protein. Computational prediction is inconclusive regarding the impact of this variant on protein structure and function (internally defined REVEL score threshold 0.5 < inconclusive < 0.7, PMID: 27666373). To our knowledge, functional studies have not been reported for this variant. This variant has not been reported in individuals affected with cardiovascular disorders in the literature. This variant has been identified in 1/251058 chromosomes in the general population by the Genome Aggregation Database (gnomAD). The available evidence is insufficient to determine the role of this variant in disease conclusively. Therefore, this variant is classified as a Variant of Uncertain Significance.

This study involves interpretation of variants in research participants for the purpose of population health screening. Participant phenotype was not available at the time of variant classification. Additional details can be found in publication PMID: 35346344, PMCID: PMC8962531

Blueprint Genetics
Classification: Uncertain significance. Last evaluated: 2021-06-30. Review status: criteria provided, single submitter. Criteria: ACMG Guidelines, 2015. Collection method: clinical testing. Allele origin: germline.